The following is an entry in ClinVar:

NM_024675.4(PALB2):c.2882T>C (p.Leu961Pro)

Gene: PALB2 (partner and localizer of BRCA2; minus strand). Cytogenetic location: 16p12.2.
Variant type: single nucleotide variant.
Coding change: c.2882T>C on transcript NM_024675.4 (MANE Select); coding-DNA position 2882, T replaced by C.
Protein change: p.Leu961Pro; replaces leucine 961 with proline.
Molecular consequence: missense variant.
Genome position (GRCh38, 1-based): chr16:23,623,083, A>G on the plus strand (T>C on the coding strand, the complement: PALB2 is on the minus strand). VCF-style: chr16-23623083-A-G. GRCh37 (hg19) VCF-style: chr16-23634404-A-G.
Other names: short protein forms L961P.
Identifiers: ClinVar variation 186824 (VCV000186824.18), dbSNP rs786203248, ClinGen allele CA195974.

ClinVar aggregate classification (germline): Uncertain significance. Review status: criteria provided, multiple submitters, no conflicts (2 of 4 stars). 3 submissions from 3 submitters: Uncertain significance (3). Last evaluated 2025-04-19.

Conditions:
Hereditary cancer-predisposing syndrome. Also called: Neoplastic Syndromes, Hereditary; Tumor predisposition; Hereditary Cancer Syndrome; Hereditary neoplastic syndrome. Identifiers: Orphanet 140162, MedGen C0027672, MeSH D009386, MONDO:0015356.
Familial cancer of breast. Also called: BREAST CANCER, FAMILIAL; Hereditary breast cancer; hereditary breast carcinoma. Identifiers: Orphanet 227535, MedGen C0346153, MONDO:0016419, OMIM 114480. Disease mechanism: loss of function.

Submissions (3):

Ambry Genetics
Classification: Uncertain significance for Hereditary cancer-predisposing syndrome. Last evaluated: 2025-04-19. Review status: criteria provided, single submitter. Criteria: Ambry Variant Classification Scheme 2023. Collection method: clinical testing. Allele origin: germline.
Comment: The p.L961P variant (also known as c.2882T>C), located in coding exon 9 of the PALB2 gene, results from a T to C substitution at nucleotide position 2882. The leucine at codon 961 is replaced by proline, an amino acid with similar properties. This variant was found to be functionally abnormal in a homology-directed DNA repair (HDR) assay, a PARP inhibitor assay, and a RAD51 foci assay (Boonen RACM et al. Nat Commun, 2019 11;10:5296). This alteration was detected in 1/5589 German BRCA1/2-negative probands with breast cancer (Hauke J et al. Cancer Med, 2018 Apr;7:1349-1358). This amino acid position is not well conserved in available vertebrate species. In addition, the in silico prediction for this alteration is inconclusive. Based on the available evidence, the clinical significance of this variant remains unclear.

Baylor Genetics
Classification: Uncertain significance for Familial cancer of breast. Last evaluated: 2023-08-03. Review status: criteria provided, single submitter. Criteria: ACMG Guidelines, 2015. Collection method: clinical testing. Allele origin: unknown.

Labcorp Genetics (formerly Invitae), Labcorp
Classification: Uncertain significance for Familial cancer of breast. Last evaluated: 2021-08-30. Review status: criteria provided, single submitter. Criteria: Invitae Variant Classification Sherloc (09022015). Collection method: clinical testing. Allele origin: germline.
Comment: This sequence change replaces leucine with proline at codon 961 of the PALB2 protein (p.Leu961Pro). The leucine residue is moderately conserved and there is a moderate physicochemical difference between leucine and proline. This variant is not present in population databases (ExAC no frequency). This variant has not been reported in the literature in individuals with PALB2-related conditions. ClinVar contains an entry for this variant (Variation ID: 186824). Experimental studies have shown that this variant affects PALB2 protein function (PMID: 31757951). In summary, the available evidence is currently insufficient to determine the role of this variant in disease. Therefore, it has been classified as a Variant of Uncertain Significance.

Literature cited by the submitters: PubMed 29522266 (cited by Ambry Genetics); PubMed 31757951 (cited by Ambry Genetics and Labcorp Genetics (formerly Invitae), Labcorp); PubMed 32185139 (cited by Ambry Genetics).